The following is an entry in ClinVar:

NM_014633.5(CTR9):c.1194+1G>T

Genes: CTR9 (CTR9 homolog, Paf1/RNA polymerase II complex component; plus strand), LOC126861140 (CDK7 strongly-dependent group 2 enhancer GRCh37_chr11:10785333-10786532; plus strand). Cytogenetic location: 11p15.4.
Variant type: single nucleotide variant.
Coding change: c.1194+1G>T on transcript NM_014633.5 (MANE Select); the canonical splice donor site of the intron after coding-DNA position 1194, G replaced by T.
Molecular consequence: splice donor variant.
Genome position (GRCh38, 1-based): chr11:10,763,880, G>T. VCF-style: chr11-10763880-G-T. GRCh37 (hg19) VCF-style: chr11-10785427-G-T.
Other names: c.1194+1G>T (NM_001346279.2).
Identifiers: ClinVar variation 1878756 (VCV001878756.1), dbSNP rs2135368528, ClinGen allele CA379665535.

ClinVar aggregate classification (germline): Uncertain significance (1 of 4 stars; one submission).

Submission:

GeneDx
Classification: Uncertain significance. Last evaluated: 2022-07-08. Review status: criteria provided, single submitter. Criteria: GeneDx Variant Classification Process June 2021. Collection method: clinical testing. Allele origin: germline. Affected: yes.
Comment: Not observed at significant frequency in large population cohorts (gnomAD); Canonical splice site variant in a gene or region of a gene for which loss of function is not a well-established mechanism of disease; Has not been previously published as pathogenic or benign to our knowledge